The following is an entry in ClinVar:

NM_025099.6(CTC1):c.2895C>T (p.Ala965=)

Gene: CTC1 (CST telomere replication complex component 1; minus strand). Cytogenetic location: 17p13.1.
Variant type: single nucleotide variant.
Coding change: c.2895C>T on transcript NM_025099.6 (MANE Select); coding-DNA position 2895, C replaced by T.
Protein change: p.Ala965=; no amino-acid change (alanine 965 retained).
Molecular consequence: synonymous variant. On other transcripts: non-coding transcript variant (1).
Genome position (GRCh38, 1-based): chr17:8,230,332, G>A on the plus strand (C>T on the coding strand, the complement: CTC1 is on the minus strand). VCF-style: chr17-8230332-G-A. GRCh37 (hg19) VCF-style: chr17-8133650-G-A.
Identifiers: ClinVar variation 326069 (VCV000326069.36), dbSNP rs373530008, ClinGen allele CA8371952.

ClinVar aggregate classification (germline): Conflicting classifications of pathogenicity. Review status: criteria provided, conflicting classifications (1 of 4 stars). 8 submissions from 8 submitters: Uncertain significance (1); Likely benign (7). Last evaluated 2026-06-11.

Conditions:
Dyskeratosis congenita. Identifiers: Orphanet 1775, MedGen C0265965, MONDO:0015780.
Cerebroretinal microangiopathy with calcifications and cysts 1 (CRMCC1). Identifiers: Orphanet 313838, MedGen C4552029, MONDO:0024564, OMIM 612199.

Allele frequency attached by ClinVar (database versions not stated): gnomAD exomes 0.00015 and 0.00024; gnomAD 0.00017 and 0.00019; TOPMed 0.00018; ESP Exome Variant Server 0.00025; ExAC 0.00027.
gnomAD v4.1: 253 of 1,613,732 alleles (0.016%); highest among the groups gnomAD compares: Admixed American, 0.027%; no homozygotes.

Submissions (8):

Women's Health and Genetics/Laboratory Corporation of America, LabCorp
Classification: Likely benign. Last evaluated: 2026-06-11. Review status: criteria provided, single submitter. Criteria: LabCorp Variant Classification Summary - May 2015. Collection method: clinical testing. Allele origin: germline.

Labcorp Genetics (formerly Invitae), Labcorp
Classification: Likely benign for Dyskeratosis congenita. Last evaluated: 2026-01-26. Review status: criteria provided, single submitter. Criteria: Invitae Variant Classification Sherloc (09022015). Collection method: clinical testing. Allele origin: germline.

CeGaT Center for Human Genetics Tuebingen
Classification: Likely benign. Last evaluated: 2025-02-01. Review status: criteria provided, single submitter. Criteria: CeGaT Center For Human Genetics Tuebingen Variant Classification Criteria Version 2. Collection method: clinical testing. Allele origin: germline. Affected: yes. Observed: 1 variant allele.
Comment: CTC1: BP4, BP7

Blueprint Genetics
Classification: Likely benign. Last evaluated: 2024-10-18. Review status: criteria provided, single submitter. Criteria: ACMG Guidelines, 2015. Collection method: clinical testing. Allele origin: germline.

Sema4
Classification: Likely benign for Dyskeratosis congenita. Last evaluated: 2022-01-06. Review status: criteria provided, single submitter. Criteria: Sema4 Curation Guidelines. Collection method: curation. Allele origin: germline.

Genome-Nilou Lab
Classification: Likely benign for Cerebroretinal microangiopathy with calcifications and cysts 1. Last evaluated: 2021-07-15. Review status: criteria provided, single submitter. Criteria: ACMG Guidelines, 2015. Collection method: clinical testing. Allele origin: germline. Affected: no.

Genetic Services Laboratory, University of Chicago
Classification: Likely benign. Last evaluated: 2019-03-25. Review status: criteria provided, single submitter. Criteria: ACMG Guidelines, 2015. Collection method: clinical testing. Allele origin: germline. Affected: no.

Illumina Laboratory Services, Illumina
Classification: Uncertain significance for Dyskeratosis congenita. Last evaluated: 2018-01-13. Review status: criteria provided, single submitter. Criteria: ICSL Variant Classification Criteria 13 December 2019. Collection method: clinical testing. Allele origin: germline.